The following is an entry in ClinVar:

ClinVar aggregate classification (germline): Uncertain significance (1 of 4 stars; one submission).

Submission:

Women's Health and Genetics/Laboratory Corporation of America, LabCorp
Classification: Uncertain significance. Last evaluated: 2024-08-26. Review status: criteria provided, single submitter. Criteria: LabCorp Variant Classification Summary - May 2015. Collection method: clinical testing. Allele origin: germline.
Comment: Variant summary: RAB39B c.-1dupC is located in the untranslated mRNA region upstream of the initiation codon. The variant was absent in 182046 control chromosomes. The available data on variant occurrences in the general population are insufficient to allow any conclusion about variant significance. To our knowledge, no occurrence of c.-1dupC in individuals affected with RAB39B Related Disorders and no experimental evidence demonstrating its impact on protein function have been reported. No submitters have cited clinical-significance assessments for this variant to ClinVar. Based on the evidence outlined above, the variant was classified as uncertain significance.

NM_171998.4(RAB39B):c.-1dup (p.Met1fs)

Genes: RAB39B (RAB39B, member RAS oncogene family; minus strand), LOC130068896 (ATAC-STARR-seq lymphoblastoid silent region 21124; plus strand). Cytogenetic location: Xq28.
Variant type: Duplication.
Coding change: c.-1dup on transcript NM_171998.4 (MANE Select); 1 bases upstream of the start codon, one base duplicated (C; older notation c.-1dupC).
Protein change: p.Met1fs; shifts the reading frame from methionine 1.
Molecular consequence: frameshift variant.
Genome position (GRCh38, 1-based): chrX:155,264,289, G duplicated on the plus strand (C on the coding strand, the reverse complement: RAB39B is on the minus strand); the first of 2 consecutive G bases (chrX:155,264,289-155,264,290); duplicating either gives the same sequence. VCF-style (leftmost placement, unchanged base first): chrX-155264288-T-TG. GRCh37 (hg19) VCF-style: chrX-154493573-T-TG.
Other names: c.-1dupC (NM_171998.4); short protein forms M1fs.
Identifiers: ClinVar variation 3366605 (VCV003366605.1).